The following is an entry in ClinVar:

NM_002299.4(LCT):c.386_389dup (p.Leu131fs)

Gene: LCT (lactase; minus strand). Cytogenetic location: 2q21.3.
Variant type: Duplication.
Coding change: c.386_389dup on transcript NM_002299.4 (MANE Select); coding-DNA positions 386 to 389, 4 bases duplicated (TCAT; older notation c.386_389dupTCAT).
Protein change: p.Leu131fs; shifts the reading frame from leucine 131.
Molecular consequence: frameshift variant.
Genome position (GRCh38, 1-based): chr2:135,836,781-135,836,784, ATGA duplicated on the plus strand (TCAT on the coding strand, the reverse complement: LCT is on the minus strand). VCF-style (leftmost placement, unchanged base first): chr2-135836780-G-GATGA. GRCh37 (hg19) VCF-style: chr2-136594350-G-GATGA.
Other names: short protein forms L131fs.
Identifiers: ClinVar variation 1964400 (VCV001964400.5), dbSNP rs1417230303, ClinGen allele CA536547377.
Genomic context (GRCh38, chr2:135,836,780, plus strand): 5'-GAGGTCAGCAAAGGCTTCGGTTCTCCGGAGGGTGCTGGCAGGGAGGGTCTGGTGGTGCAG[G>GATGA]ATGACCATGGGCTGAAGCCGTGCAGTCTTGAGGGCCTTGAGGAGTCGCCGGTAGCACTGC-3'

ClinVar aggregate classification (germline): Pathogenic (1 of 4 stars; one submission).

Allele frequency attached by ClinVar (database versions not stated): gnomAD exomes 0.00001; TOPMed 0.00001; gnomAD 0.00003.

Submission:

Labcorp Genetics (formerly Invitae), Labcorp
Classification: Pathogenic. Last evaluated: 2024-11-11. Review status: criteria provided, single submitter. Criteria: Invitae Variant Classification Sherloc (09022015). Collection method: clinical testing. Allele origin: germline.
Comment: This sequence change creates a premature translational stop signal (p.Leu131Hisfs*20) in the LCT gene. It is expected to result in an absent or disrupted protein product. Loss-of-function variants in LCT are known to be pathogenic (PMID: 16400612, 25881162). This variant is present in population databases (no rsID available, gnomAD 0.002%). This variant has not been reported in the literature in individuals affected with LCT-related conditions. ClinVar contains an entry for this variant (Variation ID: 1964400). For these reasons, this variant has been classified as Pathogenic.

Literature cited by the submitters: PubMed 16400612; PubMed 25881162.